The following is an entry in ClinVar:

ClinVar aggregate classification (germline): Uncertain significance (1 of 4 stars; one submission).

Submission:

Labcorp Genetics (formerly Invitae), Labcorp
Classification: Uncertain significance. Last evaluated: 2022-08-16. Review status: criteria provided, single submitter. Criteria: Invitae Variant Classification Sherloc (09022015). Collection method: clinical testing. Allele origin: germline.
Comment: This variant, c.2654_2655insAGAGCA, results in the insertion of 2 amino acid(s) of the SLC24A1 protein (p.Glu886_Glu887insGlnGlu), but otherwise preserves the integrity of the reading frame. This variant is not present in population databases (gnomAD no frequency). This variant has not been reported in the literature in individuals affected with SLC24A1-related conditions. ClinVar contains an entry for this variant (Variation ID: 1464259). Experimental studies and prediction algorithms are not available or were not evaluated, and the functional significance of this variant is currently unknown. In summary, the available evidence is currently insufficient to determine the role of this variant in disease. Therefore, it has been classified as a Variant of Uncertain Significance.

NM_004727.3(SLC24A1):c.2654_2655insAGAGCA (p.Glu886_Glu887insGlnGlu)

Gene: SLC24A1 (solute carrier family 24 member 1; plus strand). Cytogenetic location: 15q22.31.
Variant type: Insertion.
Coding change: c.2654_2655insAGAGCA on transcript NM_004727.3 (MANE Select); coding-DNA positions 2654 to 2655, AGAGCA inserted.
Protein change: p.Glu886_Glu887insGlnGlu.
Molecular consequence: inframe insertion.
Genome position: GRCh38 VCF-style: chr15-65650802-G-GAAGAGC. GRCh37 (hg19) VCF-style: chr15-65943140-G-GAAGAGC.
Other names: c.635_636insAGAGCA, p.Glu213_Glu214insGlnGlu (NM_001254740.2); c.2654_2655insAGAGCA, p.Glu886_Glu887insGlnGlu (NM_001301031.1); c.2600_2601insAGAGCA, p.Glu868_Glu869insGlnGlu (NM_001301032.1, NM_001301033.2).
Identifiers: ClinVar variation 1464259 (VCV001464259.5), dbSNP rs2075475341, ClinGen allele CA2183715048.